The following is an entry in ClinVar:

NM_024642.5(GALNT12):c.1213-14T>C

Gene: GALNT12 (polypeptide N-acetylgalactosaminyltransferase 12; plus strand). Cytogenetic location: 9q22.33.
Variant type: single nucleotide variant.
Coding change: c.1213-14T>C on transcript NM_024642.5 (MANE Select); 14 bases into the intron before coding-DNA position 1213, T replaced by C.
Molecular consequence: intron variant.
Genome position (GRCh38, 1-based): chr9:98,839,988, T>C. VCF-style: chr9-98839988-T-C. GRCh37 (hg19) VCF-style: chr9-101602270-T-C.
Identifiers: ClinVar variation 1672076 (VCV001672076.9), dbSNP rs745768771, ClinGen allele CA5154205.
Genomic context (GRCh38, chr9:98,839,988, plus strand): 5'-GCATCAGTGAACACAGGGGCTTTGAAAGGAAGCACTAGGACCCATGGGGTCTCACTGTTT[T>C]GTTGTTTTCTCAGGAACCTTTTGGGGATGTGACAGAGAGGAAGCAGCTCCGGGACAAGCT-3'

ClinVar aggregate classification (germline): Likely benign. Review status: criteria provided, multiple submitters, no conflicts (2 of 4 stars). 2 submissions from 2 submitters: Likely benign (2). Last evaluated 2026-04-22.

Conditions:
Colorectal cancer, susceptibility to, 1. Also called: COLORECTAL ADENOMA AND CANCER, SUSCEPTIBILITY TO; COLORECTAL CANCER, SUSCEPTIBILITY TO, ON CHROMOSOME 9. Identifiers: MedGen C1837315, MONDO:0012132, OMIM 608812.

Allele frequency attached by ClinVar (database versions not stated): gnomAD 0.00001; TOPMed 0.00001; gnomAD exomes 0.00002 and 0.00003; ExAC 0.00002.
gnomAD v4.1: 42 of 1,613,896 alleles (0.0026%); highest among the groups gnomAD compares: Non-Finnish European, 0.0034%; no homozygotes.

Submissions (2):

Myriad Genetics, Inc.
Classification: Likely benign for Colorectal cancer, susceptibility to, 1. Last evaluated: 2026-04-22. Review status: criteria provided, single submitter. Criteria: Myriad Autosomal Dominant, Autosomal Recessive and X-Linked Classification Criteria (2023). Collection method: clinical testing. Allele origin: unknown.
Comment: This variant is considered likely benign. This variant is intronic and is not expected to impact mRNA splicing.

Labcorp Genetics (formerly Invitae), Labcorp
Classification: Likely benign. Last evaluated: 2025-07-21. Review status: criteria provided, single submitter. Criteria: Invitae Variant Classification Sherloc (09022015). Collection method: clinical testing. Allele origin: germline.